The following is an entry in ClinVar:

NM_000278.5(PAX2):c.59T>G (p.Val20Gly)

Gene: PAX2 (paired box 2; plus strand). Cytogenetic location: 10q24.31.
Variant type: single nucleotide variant.
Coding change: c.59T>G on transcript NM_000278.5 (MANE Select); coding-DNA position 59, T replaced by G.
Protein change: p.Val20Gly; replaces valine 20 with glycine.
Molecular consequence: missense variant.
Genome position (GRCh38, 1-based): chr10:100,749,761, T>G. VCF-style: chr10-100749761-T-G. GRCh37 (hg19) VCF-style: chr10-102509518-T-G.
Other names: c.152T>G, p.Val51Gly (NM_001304569.2); c.59T>G, p.Val20Gly (NM_003987.5, NM_003988.5, NM_003989.5 and 1 more transcripts); short protein forms V20G, V51G.
Identifiers: ClinVar variation 3252765 (VCV003252765.1), dbSNP rs2492892488.

ClinVar aggregate classification (germline): Uncertain significance (1 of 4 stars; one submission).

Submission:

GeneDx
Classification: Uncertain significance. Last evaluated: 2023-05-01. Review status: criteria provided, single submitter. Criteria: GeneDx Variant Classification Process June 2021. Collection method: clinical testing. Allele origin: germline. Affected: yes.
Comment: In silico analysis supports that this missense variant has a deleterious effect on protein structure/function; In silico analysis is inconclusive as to whether the variant alters gene splicing. In the absence of RNA/functional studies, the actual effect of this sequence change is unknown.; Not observed at significant frequency in large population cohorts (gnomAD); Has not been previously published as pathogenic or benign to our knowledge